The following is an entry in ClinVar:

NM_003482.4(KMT2D):c.2439_2496delinsATGCCTGTCCCCCCGGCCTGAGGAATCGCAT (p.His814_Gln827delinsCysLeuSerProArg)

Gene: KMT2D (lysine methyltransferase 2D; minus strand). Cytogenetic location: 12q13.12.
Variant type: Indel.
Coding change: c.2439_2496delinsATGCCTGTCCCCCCGGCCTGAGGAATCGCAT on transcript NM_003482.4 (MANE Select); coding-DNA positions 2439 to 2496, the reference bases replaced by an inserted sequence.
Protein change: p.His814_Gln827delinsCysLeuSerProArg.
Molecular consequence: inframe indel.
Genome position (GRCh38, 1-based): chr12:49,051,187-49,051,244, 58 bases replaced. GRCh37 (hg19): chr12:49,444,970-49,445,027.
Other names: c.2439_2496delinsATGCCTGTCCCCCCGGCCTGAGGAATCGCAT (NM_003482.3).
Identifiers: ClinVar variation 1327860 (VCV001327860.3), dbSNP rs2120665000, ClinGen allele CA2573053691.

ClinVar aggregate classification (germline): Uncertain significance. Review status: criteria provided, multiple submitters, no conflicts (2 of 4 stars). 2 submissions from 2 submitters: Uncertain significance (2). Last evaluated 2025-08-04.

Conditions:
KMT2D-related disorder. Also called: KMT2D-Related Disorders.

Submissions (2):

PreventionGenetics, part of Exact Sciences
Classification: Uncertain significance for KMT2D-related condition. Last evaluated: 2025-08-04. Review status: criteria provided, single submitter. Criteria: ACMG Guidelines, 2015. Collection method: clinical testing. Allele origin: germline.
Comment: The KMT2D c.2439_2496delinsATGCCTGTCCCCCCGGCCTGAGGAATCGCAT variant is predicted to result in an in-frame deletion and insertion. To our knowledge, this variant has not been reported in the literature or in a large population database (gnomAD), indicating this variant is rare. At this time, the clinical significance of this variant is uncertain due to the absence of conclusive functional and genetic evidence.

GeneDx
Classification: Uncertain significance. Last evaluated: 2021-06-11. Review status: criteria provided, single submitter. Criteria: GeneDx Variant Classification Process June 2021. Collection method: clinical testing. Allele origin: germline. Affected: yes.
Comment: Not observed at significant frequency in large population cohorts (Lek et al., 2016); In-frame deletion of 14 amino acds and insertion of 5 incorrect amino acids in a non-repeat region; Has not been previously published as pathogenic or benign to our knowledge